The following is an entry in ClinVar:

NM_001710.6(CFB):c.1524C>A (p.His508Gln)

Gene: CFB (complement factor B; plus strand). Cytogenetic location: 6p21.33.
Variant type: single nucleotide variant.
Coding change: c.1524C>A on transcript NM_001710.6 (MANE Select); coding-DNA position 1524, C replaced by A.
Protein change: p.His508Gln; replaces histidine 508 with glutamine.
Molecular consequence: missense variant.
Genome position (GRCh38, 1-based): chr6:31,950,303, C>A. VCF-style: chr6-31950303-C-A. GRCh37 (hg19) VCF-style: chr6-31918080-C-A.
Other names: short protein forms H508Q.
Identifiers: ClinVar variation 356289 (VCV000356289.7), dbSNP rs138207668, ClinGen allele CA3728362.

ClinVar aggregate classification (germline): Uncertain significance. Review status: criteria provided, multiple submitters, no conflicts (2 of 4 stars). 3 submissions from 2 submitters: Uncertain significance (3). Last evaluated 2024-04-07.

Conditions:
Atypical hemolytic-uremic syndrome with B factor anomaly. Also called: HEMOLYTIC UREMIC SYNDROME, ATYPICAL, SUSCEPTIBILITY TO, 4; AHUS, SUSCEPTIBILITY TO, 4. Identifiers: Orphanet 2134, MedGen C2752038, MONDO:0013042, OMIM 612924.
Macular degeneration. Also called: Degenerative disorder of macula. Identifiers: MedGen C0024437, MONDO:0003004, HP:0000608.

gnomAD v4.1: 8 of 1,612,878 alleles (0.0005%); highest among the groups gnomAD compares: Non-Finnish European, 0.00068%; no homozygotes.

Submissions (3):

Labcorp Genetics (formerly Invitae), Labcorp
Classification: Uncertain significance. Last evaluated: 2024-04-07. Review status: criteria provided, single submitter. Criteria: Invitae Variant Classification Sherloc (09022015). Collection method: clinical testing. Allele origin: germline.
Comment: This sequence change replaces histidine, which is basic and polar, with glutamine, which is neutral and polar, at codon 508 of the CFB protein (p.His508Gln). This variant is present in population databases (rs138207668, gnomAD 0.002%). This variant has not been reported in the literature in individuals affected with CFB-related conditions. ClinVar contains an entry for this variant (Variation ID: 356289). Advanced modeling of protein sequence and biophysical properties (such as structural, functional, and spatial information, amino acid conservation, physicochemical variation, residue mobility, and thermodynamic stability) performed at Invitae indicates that this missense variant is not expected to disrupt CFB protein function with a negative predictive value of 80%. In summary, the available evidence is currently insufficient to determine the role of this variant in disease. Therefore, it has been classified as a Variant of Uncertain Significance.

Illumina Laboratory Services, Illumina
Classification: Uncertain significance for Atypical hemolytic-uremic syndrome with B factor anomaly. Last evaluated: 2018-01-12. Review status: criteria provided, single submitter. Criteria: ICSL Variant Classification Criteria 13 December 2019. Collection method: clinical testing. Allele origin: germline.

Illumina Laboratory Services, Illumina
Classification: Uncertain significance for Macular degeneration. Last evaluated: 2018-01-12. Review status: criteria provided, single submitter. Criteria: ICSL Variant Classification Criteria 13 December 2019. Collection method: clinical testing. Allele origin: germline.